The following is an entry in ClinVar:

ClinVar aggregate classification (germline): Likely pathogenic (1 of 4 stars; one submission).

Conditions:
Hereditary spastic paraplegia 48. Also called: SPASTIC PARAPLEGIA 48, AUTOSOMAL RECESSIVE; Spastic paraplegia 48. Identifiers: Orphanet 306511, MedGen C3150901, MONDO:0013342, OMIM 613647.

Submission:

Labcorp Genetics (formerly Invitae), Labcorp
Classification: Likely pathogenic for Hereditary spastic paraplegia 48. Last evaluated: 2024-04-22. Review status: criteria provided, single submitter. Criteria: Invitae Variant Classification Sherloc (09022015). Collection method: clinical testing. Allele origin: germline.
Comment: This variant results in the deletion of part of exon 15 (c.1806-6_1818del) of the AP5Z1 gene. It is expected to disrupt RNA splicing. Variants that disrupt the donor or acceptor splice site typically lead to a loss of protein function (PMID: 16199547), and loss-of-function variants in AP5Z1 are known to be pathogenic (PMID: 20613862, 27606357). This variant is not present in population databases (gnomAD no frequency). This variant has not been reported in the literature in individuals affected with AP5Z1-related conditions. In summary, the currently available evidence indicates that the variant is pathogenic, but additional data are needed to prove that conclusively. Therefore, this variant has been classified as Likely Pathogenic.

Literature cited by the submitters: PubMed 16199547; PubMed 20613862; PubMed 27606357.

NM_014855.3(AP5Z1):c.1806-6_1818del

Gene: AP5Z1 (adaptor related protein complex 5 subunit zeta 1; plus strand). Cytogenetic location: 7p22.1.
Variant type: Deletion.
Coding change: c.1806-6_1818del on transcript NM_014855.3 (MANE Select); 6 bases into the intron before coding-DNA position 1806 through coding-DNA position 1818, 19 bases deleted (GGGCAGTGTGCTGAGTTCT).
Molecular consequence: splice acceptor variant.
Genome position (GRCh38, 1-based): chr7:4,790,453-4,790,471, GGGCAGTGTGCTGAGTTCT deleted; deleting any 19 consecutive bases within chr7:4,790,449-4,790,471 gives the same sequence; the c. name uses the placement nearest the transcript's 3' end. VCF-style (leftmost placement, unchanged base first): chr7-4790448-TTTCTGGGCAGTGTGCTGAG-T. GRCh37 (hg19) VCF-style: chr7-4830079-TTTCTGGGCAGTGTGCTGAG-T.
Other names: c.1338-6_1350del (NM_001364858.1).
Identifiers: ClinVar variation 3644532 (VCV003644532.2).